The following is an entry in ClinVar:

NM_012309.5(SHANK2):c.363C>A (p.Leu121=)

Gene: SHANK2 (SH3 and multiple ankyrin repeat domains 2; minus strand). Cytogenetic location: 11q13.4.
Variant type: single nucleotide variant.
Coding change: c.363C>A on transcript NM_012309.5 (MANE Select); coding-DNA position 363, C replaced by A.
Protein change: p.Leu121=; no amino-acid change (leucine 121 retained).
Molecular consequence: synonymous variant.
Genome position (GRCh38, 1-based): chr11:71,118,877, G>T on the plus strand (C>A on the coding strand, the complement: SHANK2 is on the minus strand). VCF-style: chr11-71118877-G-T. GRCh37 (hg19) VCF-style: chr11-70829923-G-T.
Other names: c.363C>A, p.Leu121= (NM_001441024.1, NM_001441025.1, NM_001441026.1 and 13 more transcripts).
Identifiers: ClinVar variation 4847222 (VCV004847222.2).

ClinVar aggregate classification (germline): Likely benign. Review status: criteria provided, multiple submitters, no conflicts (2 of 4 stars). 2 submissions from 2 submitters: Likely benign (2). Last evaluated 2026-07-01.

gnomAD v4.1: 52 of 1,551,630 alleles (0.0034%); highest among the groups gnomAD compares: Middle Eastern, 0.017%; no homozygotes.

Submissions (2):

CeGaT Center for Human Genetics Tuebingen
Classification: Likely benign. Last evaluated: 2026-07-01. Review status: criteria provided, single submitter. Criteria: CeGaT Center For Human Genetics Tuebingen Variant Classification Criteria Version 2. Collection method: clinical testing. Allele origin: germline. Affected: yes. Observed: 2 variant alleles.
Comment: SHANK2: BP4, BP7

Women's Health and Genetics/Laboratory Corporation of America, LabCorp
Classification: Likely benign. Last evaluated: 2026-03-16. Review status: criteria provided, single submitter. Criteria: LabCorp Variant Classification Summary - May 2015. Collection method: clinical testing. Allele origin: germline.